The following is an entry in ClinVar:

ClinVar aggregate classification (germline): Likely pathogenic (1 of 4 stars; one submission).

Conditions:
LAMA2-related muscular dystrophy (LAMA2-RD). Also called: Laminin alpha 2-related dystrophy. Identifiers: MedGen C5679788, MONDO:0100228.

Submission:

Myriad Genetics, Inc.
Classification: Likely pathogenic for LAMA2-related muscular dystrophy. Last evaluated: 2022-02-24. Review status: criteria provided, single submitter. Criteria: Myriad Autosomal Dominant, Autosomal Recessive and X-Linked Classification Criteria (2023). Collection method: clinical testing. Allele origin: unknown.
Comment: NM_000426.3(LAMA2):c.2006_2012del7(V669Efs*5) is expected to be pathogenic in the context of muscular dystrophy, LAMA2-related. This variant is predicted to lead to an abnormal or absent protein product due to the creation of a premature termination codon in LAMA2, a gene where loss-of-function variants are known to be pathogenic. Please note: this variant was assessed in the context of healthy population screening.

NM_000426.4(LAMA2):c.2006_2012del (p.Val669fs)

Gene: LAMA2 (laminin subunit alpha 2; plus strand). Cytogenetic location: 6q22.33.
Variant type: Deletion.
Coding change: c.2006_2012del on transcript NM_000426.4 (MANE Select); coding-DNA positions 2006 to 2012, 7 bases deleted (TCCGTAG; older notation c.2006_2012delTCCGTAG).
Protein change: p.Val669fs; shifts the reading frame from valine 669.
Molecular consequence: frameshift variant.
Genome position (GRCh38, 1-based): chr6:129,252,205-129,252,211, TCCGTAG deleted; deleting any 7 consecutive bases within chr6:129,252,203-129,252,211 gives the same sequence; the c. name uses the placement nearest the transcript's 3' end. VCF-style (leftmost placement, unchanged base first): chr6-129252202-CAGTCCGT-C. GRCh37 (hg19) VCF-style: chr6-129573347-CAGTCCGT-C.
Other names: c.2006_2012del, p.Val669fs (NM_001079823.2); short protein forms V669fs.
Identifiers: ClinVar variation 1724634 (VCV001724634.3), dbSNP rs2482130041, ClinGen allele CA2580074904.